The following is an entry in ClinVar:

NM_000038.6(APC):c.5887T>A (p.Phe1963Ile)

Gene: APC (APC regulator of Wnt signaling pathway; plus strand). Cytogenetic location: 5q22.2.
Variant type: single nucleotide variant.
Coding change: c.5887T>A on transcript NM_000038.6 (MANE Select); coding-DNA position 5887, T replaced by A.
Protein change: p.Phe1963Ile; replaces phenylalanine 1963 with isoleucine.
Molecular consequence: missense variant.
Genome position (GRCh38, 1-based): chr5:112,841,481, T>A. VCF-style: chr5-112841481-T-A. GRCh37 (hg19) VCF-style: chr5-112177178-T-A.
Other names: c.5812T>A, p.Phe1938Ile (NM_001354898.2); c.5833T>A, p.Phe1945Ile (NM_001127511.3); c.5887T>A, p.Phe1963Ile (NM_001354895.2, NM_001127510.3, NM_001407450.1); c.5941T>A, p.Phe1981Ile (NM_001354896.2, NM_001407447.1, NM_001407448.1 and 1 more transcripts); c.5917T>A, p.Phe1973Ile (NM_001354897.2); c.5803T>A, p.Phe1935Ile (NM_001354899.2); c.5764T>A, p.Phe1922Ile (NM_001354900.2); c.5710T>A, p.Phe1904Ile (NM_001354901.2, NM_001407453.1); and 11 more; short protein forms F1680I, F1834I, F1862I, F1922I, F1945I, F1963I, F1973I, F1579I.
Identifiers: ClinVar variation 1750284 (VCV001750284.7), dbSNP rs2149951842, ClinGen allele CA16034211.

ClinVar aggregate classification (germline): Uncertain significance. Review status: criteria provided, multiple submitters, no conflicts (2 of 4 stars). 2 submissions from 2 submitters: Uncertain significance (2). Last evaluated 2024-05-01.

Conditions:
Hereditary cancer-predisposing syndrome. Also called: Hereditary Cancer Syndrome; Hereditary neoplastic syndrome; Neoplastic Syndromes, Hereditary; Tumor predisposition. Identifiers: Orphanet 140162, MedGen C0027672, MeSH D009386, MONDO:0015356.
Familial adenomatous polyposis 1 (FAP1). Also called: FAMILIAL ADENOMATOUS POLYPOSIS 1, ATTENUATED; POLYPOSIS, ADENOMATOUS INTESTINAL. Identifiers: MedGen C2713442, MONDO:0021056, OMIM 175100. Disease mechanism: loss of function.

Submissions (2):

Labcorp Genetics (formerly Invitae), Labcorp
Classification: Uncertain significance for Familial adenomatous polyposis 1. Last evaluated: 2024-05-01. Review status: criteria provided, single submitter. Criteria: Invitae Variant Classification Sherloc (09022015). Collection method: clinical testing. Allele origin: germline.
Comment: This sequence change replaces phenylalanine, which is neutral and non-polar, with isoleucine, which is neutral and non-polar, at codon 1963 of the APC protein (p.Phe1963Ile). This variant is not present in population databases (gnomAD no frequency). This variant has not been reported in the literature in individuals affected with APC-related conditions. ClinVar contains an entry for this variant (Variation ID: 1750284). Advanced modeling of protein sequence and biophysical properties (such as structural, functional, and spatial information, amino acid conservation, physicochemical variation, residue mobility, and thermodynamic stability) performed at Invitae indicates that this missense variant is not expected to disrupt APC protein function with a negative predictive value of 95%. In summary, the available evidence is currently insufficient to determine the role of this variant in disease. Therefore, it has been classified as a Variant of Uncertain Significance.

Ambry Genetics
Classification: Uncertain significance for Hereditary cancer-predisposing syndrome. Last evaluated: 2023-11-21. Review status: criteria provided, single submitter. Criteria: Ambry Variant Classification Scheme 2023. Collection method: clinical testing. Allele origin: germline.
Comment: The p.F1963I variant (also known as c.5887T>A), located in coding exon 15 of the APC gene, results from a T to A substitution at nucleotide position 5887. The phenylalanine at codon 1963 is replaced by isoleucine, an amino acid with highly similar properties. This amino acid position is well conserved in available vertebrate species. In addition, in silico predictors for this gene do not accurately predict pathogenicity. Since supporting evidence is limited at this time, the clinical significance of this alteration remains unclear.